The following is an entry in ClinVar:

ClinVar aggregate classification (germline): Uncertain significance (1 of 4 stars; one submission).

Allele frequency attached by ClinVar (database versions not stated): gnomAD 0.00001.
gnomAD v4.1: 1 of 1,613,214 alleles (0.000062%); highest among the groups gnomAD compares: Non-Finnish European, 0.000085%; no homozygotes.

Submission:

Labcorp Genetics (formerly Invitae), Labcorp
Classification: Uncertain significance. Last evaluated: 2024-10-04. Review status: criteria provided, single submitter. Criteria: Invitae Variant Classification Sherloc (09022015). Collection method: clinical testing. Allele origin: germline.
Comment: This sequence change replaces lysine, which is basic and polar, with arginine, which is basic and polar, at codon 73 of the GOT2 protein (p.Lys73Arg). This variant is present in population databases (no rsID available, gnomAD 0.007%). This variant has not been reported in the literature in individuals affected with GOT2-related conditions. ClinVar contains an entry for this variant (Variation ID: 2060157). Invitae Evidence Modeling of protein sequence and biophysical properties (such as structural, functional, and spatial information, amino acid conservation, physicochemical variation, residue mobility, and thermodynamic stability) indicates that this missense variant is not expected to disrupt GOT2 protein function with a negative predictive value of 80%. In summary, the available evidence is currently insufficient to determine the role of this variant in disease. Therefore, it has been classified as a Variant of Uncertain Significance.

NM_002080.4(GOT2):c.218A>G (p.Lys73Arg)

Gene: GOT2 (glutamic-oxaloacetic transaminase 2; minus strand). Cytogenetic location: 16q21.
Variant type: single nucleotide variant.
Coding change: c.218A>G on transcript NM_002080.4 (MANE Select); coding-DNA position 218, A replaced by G.
Protein change: p.Lys73Arg; replaces lysine 73 with arginine.
Molecular consequence: missense variant.
Genome position (GRCh38, 1-based): chr16:58,723,774, T>C on the plus strand (A>G on the coding strand, the complement: GOT2 is on the minus strand). VCF-style: chr16-58723774-T-C. GRCh37 (hg19) VCF-style: chr16-58757678-T-C.
Other names: c.218A>G, p.Lys73Arg (NM_001286220.2); short protein forms K73R.
Identifiers: ClinVar variation 2060157 (VCV002060157.4), dbSNP rs1188256812, ClinGen allele CA396168062.